The following is an entry in ClinVar:

ClinVar aggregate classification (germline): Uncertain significance (1 of 4 stars; one submission).

Submission:

Ambry Genetics
Classification: Uncertain significance. Last evaluated: 2025-10-08. Review status: criteria provided, single submitter. Criteria: Ambry Variant Classification Scheme 2023. Collection method: clinical testing. Allele origin: germline.
Comment: The p.I70L variant (also known as c.208A>T), located in coding exon 3 of the RAD51B gene, results from an A to T substitution at nucleotide position 208. The isoleucine at codon 70 is replaced by leucine, an amino acid with highly similar properties. This amino acid position is conserved. In addition, this alteration is predicted to be tolerated by in silico analysis. Based on the available evidence, the clinical significance of this variant remains unclear.

NM_133510.4(RAD51B):c.208A>T (p.Ile70Leu)

Gene: RAD51B (RAD51 paralog B; plus strand). Cytogenetic location: 14q24.1.
Variant type: single nucleotide variant.
Coding change: c.208A>T on transcript NM_133510.4 (MANE Select); coding-DNA position 208, A replaced by T.
Protein change: p.Ile70Leu; replaces isoleucine 70 with leucine.
Molecular consequence: missense variant. On other transcripts: 5 prime UTR variant (1).
Genome position (GRCh38, 1-based): chr14:67,835,089, A>T. VCF-style: chr14-67835089-A-T. GRCh37 (hg19) VCF-style: chr14-68301806-A-T.
Other names: c.208A>T, p.Ile70Leu (NM_001321809.2, NM_001321810.2, NM_001321812.1 and 6 more transcripts); c.94A>T, p.Ile32Leu (NM_001321815.1); c.-248A>T (NM_001321817.2); short protein forms I70L, I32L.
Identifiers: ClinVar variation 4575287 (VCV004575287.1).